The following is an entry in ClinVar:

NM_002972.4(SBF1):c.2885C>T (p.Thr962Ile)

Gene: SBF1 (SET binding factor 1; minus strand). Cytogenetic location: 22q13.33.
Variant type: single nucleotide variant.
Coding change: c.2885C>T on transcript NM_002972.4 (MANE Select); coding-DNA position 2885, C replaced by T.
Protein change: p.Thr962Ile; replaces threonine 962 with isoleucine.
Molecular consequence: missense variant.
Genome position (GRCh38, 1-based): chr22:50,461,241, G>A on the plus strand (C>T on the coding strand, the complement: SBF1 is on the minus strand). VCF-style: chr22-50461241-G-A. GRCh37 (hg19) VCF-style: chr22-50899670-G-A.
Other names: c.2888C>T, p.Thr963Ile (NM_001365819.1, NM_001410794.1); c.2885C>T, p.Thr962Ile (NM_001410795.1, NM_197971.1); short protein forms T962I, T963I.
Identifiers: ClinVar variation 2691787 (VCV002691787.3), dbSNP rs2067495480, ClinGen allele CA412207854.
Genomic context (GRCh38, chr22:50,461,241, plus strand): 5'-TGGAGCCCGTCCTGCAGGAGCTGGTCCACAGGGGTCTGGACGCTGATGCGCTTCTCCTTG[G>A]TCAGCGCAGCCACCGGGAAGGAGCGGACCACCACCTGCTCCCCAACTTAGGACAGGCCAG-3'
Protein context (NP_002963.2, residues 952-972): VVRSFPVAAL[Thr962Ile]KEKRISVQTP

ClinVar aggregate classification (germline): Uncertain significance. Review status: criteria provided, multiple submitters, no conflicts (2 of 4 stars). 2 submissions from 2 submitters: Uncertain significance (2). Last evaluated 2022-08-03.

Conditions:
Charcot-Marie-Tooth disease type 4B3. Also called: CHARCOT-MARIE-TOOTH DISEASE, DEMYELINATING, TYPE 4B3; Charcot-Marie-Tooth Neuropathy Type 4B3. Identifiers: Orphanet 363981, MedGen C3695063, MONDO:0014117, OMIM 615284.

gnomAD v4.1: 4 of 1,613,364 alleles (0.00025%); highest among the groups gnomAD compares: African/African-American, 0.004%; no homozygotes.

Submissions (2):

Gemeinschaftspraxis fuer Humangenetik Dresden
Classification: Uncertain significance for Charcot-Marie-Tooth disease type 4B3. Last evaluated: 2022-08-03. Review status: criteria provided, single submitter. Criteria: ACMG Guidelines, 2015. Collection method: clinical testing. Allele origin: unknown. Inheritance: Autosomal recessive inheritance. Affected: yes.
Comment: This variant is not reported in HGMD 2022.2, gnomAD (v2.1.1), dbSNP (v155) or LOVD so far. In summary, the variant should currently be classified as uncertain significance.

Breakthrough Genomics
Classification: Uncertain significance. Review status: criteria provided, single submitter. Criteria: ACMG Guidelines, 2015. Collection method: not provided. Allele origin: germline. Inheritance: Autosomal dominant inheritance. Affected: yes.